The following is an entry in ClinVar:

NM_001004334.4(GPR179):c.5420A>C (p.Gln1807Pro)

Gene: GPR179 (G protein-coupled receptor 179; minus strand). Cytogenetic location: 17q12.
Variant type: single nucleotide variant.
Coding change: c.5420A>C on transcript NM_001004334.4 (MANE Select); coding-DNA position 5420, A replaced by C.
Protein change: p.Gln1807Pro; replaces glutamine 1807 with proline.
Molecular consequence: missense variant.
Genome position (GRCh38, 1-based): chr17:38,328,149, T>G on the plus strand (A>C on the coding strand, the complement: GPR179 is on the minus strand). VCF-style: chr17-38328149-T-G. GRCh37 (hg19) VCF-style: chr17-36484032-T-G.
Other names: c.5420A>C (NM_001004334.2); short protein forms Q1807P.
Identifiers: ClinVar variation 1512039 (VCV001512039.9), dbSNP rs2037308728, ClinGen allele CA398871997.
Genomic context (GRCh38, chr17:38,328,149, plus strand): 5'-GTAGTTCCTTCACTTACCTCCCAGGGACAGATCTTGGCTTTTTCACTGGTAGCAGCTTCC[T>G]GTGCTTCCCAGGGACACACTTCACCTGGCCTGCAGCCCATATGATCCAGTTCCTGGAACC-3'
Protein context (NP_001004334.3, residues 1797-1817): RPGEVCPWEA[Gln1807Pro]EAATSEKAKI

ClinVar aggregate classification (germline): Uncertain significance. Review status: criteria provided, multiple submitters, no conflicts (2 of 4 stars). 2 submissions from 2 submitters: Uncertain significance (2). Last evaluated 2025-08-07.

Conditions:
Inborn genetic diseases. Identifiers: MedGen C0950123, MeSH D030342.

Allele frequency attached by ClinVar (database versions not stated): gnomAD exomes 0.00001.
gnomAD v4.1: 10 of 1,613,448 alleles (0.00062%); highest among the groups gnomAD compares: Non-Finnish European, 0.00085%; no homozygotes.

Submissions (2):

Ambry Genetics
Classification: Uncertain significance for Inborn genetic diseases. Last evaluated: 2025-08-07. Review status: criteria provided, single submitter. Criteria: Ambry Variant Classification Scheme 2023. Collection method: clinical testing. Allele origin: germline.

Labcorp Genetics (formerly Invitae), Labcorp
Classification: Uncertain significance. Last evaluated: 2023-08-10. Review status: criteria provided, single submitter. Criteria: Invitae Variant Classification Sherloc (09022015). Collection method: clinical testing. Allele origin: germline.
Comment: This sequence change replaces glutamine, which is neutral and polar, with proline, which is neutral and non-polar, at codon 1807 of the GPR179 protein (p.Gln1807Pro). This variant is not present in population databases (gnomAD no frequency). This variant has not been reported in the literature in individuals affected with GPR179-related conditions. ClinVar contains an entry for this variant (Variation ID: 1512039). An algorithm developed to predict the effect of missense changes on protein structure and function (PolyPhen-2) suggests that this variant is likely to be tolerated. In summary, the available evidence is currently insufficient to determine the role of this variant in disease. Therefore, it has been classified as a Variant of Uncertain Significance.